The following is an entry in ClinVar:

NM_001079872.2(CUL4B):c.2484_2487del (p.Arg828fs)

Gene: CUL4B (cullin 4B; minus strand). Cytogenetic location: Xq24.
Variant type: Microsatellite.
Coding change: c.2484_2487del on transcript NM_001079872.2 (MANE Select); coding-DNA positions 2484 to 2487, 4 bases deleted (ACAG; older notation c.2484_2487delACAG).
Protein change: p.Arg828fs; shifts the reading frame from arginine 828.
Molecular consequence: frameshift variant.
Genome position (GRCh38, 1-based): chrX:120,530,207-120,530,210, CTGT deleted on the plus strand (ACAG on the coding strand, the reverse complement: CUL4B is on the minus strand); deleting any 4 consecutive bases within chrX:120,530,207-120,530,216 gives the same sequence; the c. name uses the placement nearest the transcript's 3' end. VCF-style (leftmost placement, unchanged base first): chrX-120530206-ACTGT-A. GRCh37 (hg19) VCF-style: chrX-119664061-ACTGT-A.
Other names: c.2499_2502del, p.Arg833fs (NM_001330624.2); c.1950_1953del, p.Arg650fs (NM_001369145.1); c.2538_2541del, p.Arg846fs (NM_003588.4); short protein forms R650fs, R828fs, R833fs, R846fs.
Identifiers: ClinVar variation 3364508 (VCV003364508.2).
Genomic context (GRCh38, chrX:120,530,206, plus strand): 5'-GATTGTGGCTAAGTGTCTTTCTCATCTTCATAATTCGAACAATTGCAGCATCAATTTGAT[ACTGT>A]CTGTCTTGAAATACTCTTTCTGTAGTGCTTGCTTGTTCTTCAACCTAACAAAAAAGTTTT-3'

ClinVar aggregate classification (germline): Pathogenic (1 of 4 stars; one submission).

Submission:

GeneDx
Classification: Pathogenic. Last evaluated: 2026-02-26. Review status: criteria provided, single submitter. Criteria: GeneDx Variant Classification Process June 2021. Collection method: clinical testing. Allele origin: germline.
Comment: Frameshift variant predicted to result in protein truncation or nonsense mediated decay in a gene for which loss of function is a known mechanism of disease; Not observed at significant frequency in large population cohorts (gnomAD); This variant is associated with the following publications: (PMID: 29302074)